The following is an entry in ClinVar:

NM_015570.4(AUTS2):c.118G>A (p.Ala40Thr)

Genes: AUTS2 (activator of transcription and developmental regulator AUTS2; plus strand), LOC129998550 (ATAC-STARR-seq lymphoblastoid silent region 18224; plus strand). Cytogenetic location: 7q11.22.
Variant type: single nucleotide variant.
Coding change: c.118G>A on transcript NM_015570.4 (MANE Select); coding-DNA position 118, G replaced by A.
Protein change: p.Ala40Thr; replaces alanine 40 with threonine.
Molecular consequence: missense variant.
Genome position (GRCh38, 1-based): chr7:69,599,771, G>A. VCF-style: chr7-69599771-G-A. GRCh37 (hg19) VCF-style: chr7-69064757-G-A.
Other names: c.118G>A, p.Ala40Thr (NM_001127231.3, NM_001127232.3); short protein forms A40T.
Identifiers: ClinVar variation 385922 (VCV000385922.3), dbSNP rs911513762, ClinGen allele CA16605385.
Genomic context (GRCh38, chr7:69,599,771, plus strand): 5'-CGAGACCGGGAGAGGCGCTCCCGGGGCGGGCTGGGGGCCGGCGCGGCCGGCGGCGGCGGG[G>A]CTGGCCGGACCCGGGCGCTCTCACTCGCCTCGTCGTCGGGCTCCGACAAGGAAGACAATG-3'
Protein context (NP_056385.1, residues 30-50): LGAGAAGGGG[Ala40Thr]GRTRALSLAS

ClinVar aggregate classification (germline): Uncertain significance. Review status: criteria provided, multiple submitters, no conflicts (2 of 4 stars). 2 submissions from 2 submitters: Uncertain significance (2). Last evaluated 2025-09-25.

Conditions:
Inborn genetic diseases. Identifiers: MedGen C0950123, MeSH D030342.

Allele frequency attached by ClinVar (database versions not stated): gnomAD exomes 0.00002 and 0.00001; TOPMed 0.00004; gnomAD 0.00003.
gnomAD v4.1: 21 of 1,478,214 alleles (0.0014%); highest among the groups gnomAD compares: Non-Finnish European, 0.0016%; no homozygotes.

Submissions (2):

Ambry Genetics
Classification: Uncertain significance for Inborn genetic diseases. Last evaluated: 2025-09-25. Review status: criteria provided, single submitter. Criteria: Ambry Variant Classification Scheme 2023. Collection method: clinical testing. Allele origin: germline.

GeneDx
Classification: Uncertain significance. Last evaluated: 2016-05-02. Review status: criteria provided, single submitter. Criteria: GeneDx Variant Classification (06012015). Collection method: clinical testing. Allele origin: germline. Affected: yes.
Comment: The A40T variant in the AUTS2 gene has not been reported previously as a pathogenic variant, nor as a benign variant, to our knowledge. This variant was not observed in approximately 4400 individuals of European and African American ancestry in the NHLBI Exome Sequencing Project, indicating it is not a common benign variant in these populations. The A40T variant is a non-conservative amino acid substitution, which is likely to impact secondary protein structure as these residues differ in polarity, charge, size and/or other properties. This substitution occurs at a position that is conserved mammals. In silico analysis predicts this variant likely does not alter the protein structure/function. We interpret A40T as a variant of uncertain significance.